The following is an entry in ClinVar:

ClinVar aggregate classification (germline): Uncertain significance (1 of 4 stars; one submission).

Submission:

Labcorp Genetics (formerly Invitae), Labcorp
Classification: Uncertain significance. Last evaluated: 2025-10-01. Review status: criteria provided, single submitter. Criteria: Invitae Variant Classification Sherloc (09022015). Collection method: clinical testing. Allele origin: germline.
Comment: This sequence change replaces glutamic acid, which is acidic and polar, with lysine, which is basic and polar, at codon 1001 of the POLE protein (p.Glu1001Lys). This variant is not present in population databases (gnomAD no frequency). This variant has not been reported in the literature in individuals affected with POLE-related conditions. Invitae Evidence Modeling of protein sequence and biophysical properties (such as structural, functional, and spatial information, amino acid conservation, physicochemical variation, residue mobility, and thermodynamic stability) indicates that this missense variant is not expected to disrupt POLE protein function with a negative predictive value of 80%. In summary, the available evidence is currently insufficient to determine the role of this variant in disease. Therefore, it has been classified as a Variant of Uncertain Significance.

NM_006231.4(POLE):c.3001G>A (p.Glu1001Lys)

Gene: POLE (DNA polymerase epsilon, catalytic subunit; minus strand). Cytogenetic location: 12q24.33.
Variant type: single nucleotide variant.
Coding change: c.3001G>A on transcript NM_006231.4 (MANE Select); coding-DNA position 3001, G replaced by A.
Protein change: p.Glu1001Lys; replaces glutamic acid 1001 with lysine.
Molecular consequence: missense variant.
Genome position (GRCh38, 1-based): chr12:132,661,028, C>T on the plus strand (G>A on the coding strand, the complement: POLE is on the minus strand). VCF-style: chr12-132661028-C-T. GRCh37 (hg19) VCF-style: chr12-133237614-C-T.
Other names: short protein forms E1001K.
Identifiers: ClinVar variation 4797852 (VCV004797852.1).